The following is an entry in ClinVar:

NM_001252024.2(TRPM1):c.2730C>A (p.Ser910Arg)

Genes: TRPM1 (transient receptor potential cation channel subfamily M member 1; minus strand), TRPM1-AS1 (TRPM1 antisense RNA 1; plus strand). Cytogenetic location: 15q13.3.
Variant type: single nucleotide variant.
Coding change: c.2730C>A on transcript NM_001252024.2 (MANE Select); coding-DNA position 2730, C replaced by A.
Protein change: p.Ser910Arg; replaces serine 910 with arginine.
Molecular consequence: missense variant.
Genome position (GRCh38, 1-based): chr15:31,032,911, G>T on the plus strand (C>A on the coding strand, the complement: TRPM1 is on the minus strand). VCF-style: chr15-31032911-G-T. GRCh37 (hg19) VCF-style: chr15-31325114-G-T.
Other names: c.2781C>A, p.Ser927Arg (NM_001252020.2); c.2664C>A, p.Ser888Arg (NM_002420.6); short protein forms S888R, S910R, S927R.
Identifiers: ClinVar variation 1978646 (VCV001978646.2), dbSNP rs2033160407, ClinGen allele CA391546559.

ClinVar aggregate classification (germline): Uncertain significance (1 of 4 stars; one submission).

Allele frequency attached by ClinVar (database versions not stated): gnomAD exomes below 0.00001.
gnomAD v4.1: 3 of 1,614,066 alleles (0.00019%); highest among the groups gnomAD compares: Admixed American, 0.0017%; no homozygotes.

Submission:

Labcorp Genetics (formerly Invitae), Labcorp
Classification: Uncertain significance. Last evaluated: 2022-04-20. Review status: criteria provided, single submitter. Criteria: Invitae Variant Classification Sherloc (09022015). Collection method: clinical testing. Allele origin: germline.
Comment: This variant is not present in population databases (gnomAD no frequency). This variant has not been reported in the literature in individuals affected with TRPM1-related conditions. Algorithms developed to predict the effect of missense changes on protein structure and function (SIFT, PolyPhen-2, Align-GVGD) all suggest that this variant is likely to be tolerated. In summary, the available evidence is currently insufficient to determine the role of this variant in disease. Therefore, it has been classified as a Variant of Uncertain Significance. This sequence change replaces serine, which is neutral and polar, with arginine, which is basic and polar, at codon 888 of the TRPM1 protein (p.Ser888Arg).